The following is an entry in ClinVar:

NM_001278116.2(L1CAM):c.1939+91G>A

Gene: L1CAM (L1 cell adhesion molecule; minus strand). Cytogenetic location: Xq28.
Variant type: single nucleotide variant.
Coding change: c.1939+91G>A on transcript NM_001278116.2 (MANE Select); 91 bases into the intron after coding-DNA position 1939, G replaced by A.
Molecular consequence: intron variant.
Genome position (GRCh38, 1-based): chrX:153,867,709, C>T on the plus strand (G>A on the coding strand, the complement: L1CAM is on the minus strand). VCF-style: chrX-153867709-C-T. GRCh37 (hg19) VCF-style: chrX-153133164-C-T.
Other names: c.1924+91G>A (NM_001143963.2); c.1939+91G>A (NM_024003.3, NM_000425.5).
Identifiers: ClinVar variation 4072309 (VCV004072309.1).
Genomic context (GRCh38, chrX:153,867,709, plus strand): 5'-AGGCCAACTGGCATCTCCAGATTCCCATGAGGAACCGTGAGTCCCCCCAAACCGTGTCCC[C>T]CCAGGAAGGCTCCAGGAGGAGGGAGGACCCCAGGAGGGGCCAGGGCTGGCAGAAGTGACG-3'

ClinVar aggregate classification (germline): Uncertain significance (1 of 4 stars; one submission).

Conditions:
X-linked complicated corpus callosum dysgenesis. Also called: X-Linked Complicated Corpus Callosum Agenesis. Identifiers: Orphanet 1497, MedGen C1839909, MONDO:0010569, OMIM 304100.

Submission:

3billion
Classification: Uncertain significance for X-linked complicated corpus callosum dysgenesis. Last evaluated: 2024-07-23. Review status: criteria provided, single submitter. Criteria: ACMG Guidelines, 2015. Collection method: clinical testing. Allele origin: germline. Affected: yes.
Comment: The variant is not observed in the gnomAD v4.0.0 dataset. Predicted Consequence/Location: Intron variant In silico tools predict the variant to alter splicing and produce an abnormal transcript [SpliceAI: 0.23 (>=0.2, moderate evidence for spliceogenicity)]. Therefore, this variant is classified as VUS according to the recommendation of ACMG/AMP guideline.